The following is an entry in ClinVar:

ClinVar aggregate classification (germline): Uncertain significance. Review status: criteria provided, multiple submitters, no conflicts (2 of 4 stars). 3 submissions from 3 submitters: Uncertain significance (2). 1 of the submissions does not count toward it. Last evaluated 2025-08-17.

Conditions:
Autosomal recessive limb-girdle muscular dystrophy type 2J (LGMDR10). Also called: Limb-girdle muscular dystrophy, type 2J; MUSCULAR DYSTROPHY, LIMB-GIRDLE, AUTOSOMAL RECESSIVE 10. Identifiers: Orphanet 140922, MedGen C1837342, MONDO:0012127, OMIM 608807.
Dilated cardiomyopathy 1G (CMD1G). Identifiers: Orphanet 154, MedGen C1858763, MONDO:0011400, OMIM 604145.
Tibial muscular dystrophy (TMD). Also called: Tibial muscular dystrophy, tardive; UDD MYOPATHY; Udd Distal Myopathy – Tibial Muscular Dystrophy. Identifiers: Orphanet 609, MedGen C1838244, MONDO:0010870, OMIM 600334.
Myopathy, myofibrillar, 9, with early respiratory failure (MFM9). Also called: Hereditary myopathy with early respiratory failure; Myopathy, distal, with early respiratory failure, autosomal dominant; EDSTROM MYOPATHY; MYOPATHY, PROXIMAL, WITH EARLY RESPIRATORY MUSCLE INVOLVEMENT. Identifiers: Orphanet 178464, Orphanet 34521, MedGen C1863599, MONDO:0011362, OMIM 603689.
Early-onset myopathy with fatal cardiomyopathy (CMYO5). Also called: Salih Myopathy; CONGENITAL MYOPATHY 5 WITH CARDIOMYOPATHY. Identifiers: Orphanet 289377, MedGen C2673677, MONDO:0012714, OMIM 611705. Disease mechanism: loss of function.
Hypertrophic cardiomyopathy 9. Also called: Familial hypertrophic cardiomyopathy 9. Identifiers: MedGen C1861065, MONDO:0013412, OMIM 613765.

Allele frequency attached by ClinVar (database versions not stated): ExAC 0.00001; gnomAD 0.00001; gnomAD exomes 0.00001 and below 0.00001.
gnomAD v4.1: 6 of 1,613,866 alleles (0.00037%); highest among the groups gnomAD compares: Non-Finnish European, 0.00025%; no homozygotes.

Submissions (3):

Labcorp Genetics (formerly Invitae), Labcorp
Classification: Uncertain significance for Dilated cardiomyopathy 1G; Autosomal recessive limb-girdle muscular dystrophy type 2J. Last evaluated: 2025-08-17. Review status: criteria provided, single submitter. Criteria: Invitae Variant Classification Sherloc (09022015). Collection method: clinical testing. Allele origin: germline.
Comment: This sequence change replaces lysine, which is basic and polar, with threonine, which is neutral and polar, at codon 35385 of the TTN protein (p.Lys35385Thr). This variant is present in population databases (rs768296130, gnomAD 0.01%). This missense change has been observed in individual(s) with clinical features of limb-girdle muscular dystrophy or muscle disease (PMID: 25772186, 27854218). ClinVar contains an entry for this variant (Variation ID: 242430). Experimental studies and prediction algorithms are not available or were not evaluated, and the functional significance of this variant is currently unknown. This variant is located in the M band of TTN (PMID: 25589632). Non-truncating variants in this region may be relevant for neuromuscular disorders, but have not been definitively shown to cause cardiomyopathy (PMID: 23975875). In summary, the available evidence is currently insufficient to determine the role of this variant in disease. Therefore, it has been classified as a Variant of Uncertain Significance.

Fulgent Genetics
Classification: Uncertain significance for Tibial muscular dystrophy; Myopathy, myofibrillar, 9, with early respiratory failure; Dilated cardiomyopathy 1G; Autosomal recessive limb-girdle muscular dystrophy type 2J; Early-onset myopathy with fatal cardiomyopathy; Hypertrophic cardiomyopathy 9. Last evaluated: 2021-09-08. Review status: criteria provided, single submitter. Criteria: ACMG Guidelines, 2015. Collection method: clinical testing. Allele origin: unknown.

OMIM
Classification: Pathogenic for MUSCULAR DYSTROPHY, LIMB-GIRDLE, AUTOSOMAL RECESSIVE 10. Last evaluated: 2019-04-17. Review status: no assertion criteria provided. Collection method: literature only. Allele origin: germline. Not counted in ClinVar's aggregate classification.

Literature cited by the submitters: PubMed 25772186 (cited by Labcorp Genetics (formerly Invitae), Labcorp and OMIM); PubMed 27854218 (cited by Labcorp Genetics (formerly Invitae), Labcorp); PubMed 25589632 (cited by Labcorp Genetics (formerly Invitae), Labcorp); PubMed 23975875 (cited by Labcorp Genetics (formerly Invitae), Labcorp).

NM_001267550.2(TTN):c.106154A>C (p.Lys35385Thr)

Genes: TTN (titin; minus strand), TTN-AS1 (TTN antisense RNA 1; plus strand), LOC129935182 (ATAC-STARR-seq lymphoblastoid active region 16807; plus strand). Cytogenetic location: 2q31.2.
Variant type: single nucleotide variant.
Coding change: c.106154A>C on transcript NM_001267550.2 (MANE Select); coding-DNA position 106154, A replaced by C.
Protein change: p.Lys35385Thr; replaces lysine 35385 with threonine.
Molecular consequence: missense variant.
Genome position (GRCh38, 1-based): chr2:178,530,461, T>G on the plus strand (A>C on the coding strand, the complement: TTN is on the minus strand). VCF-style: chr2-178530461-T-G. GRCh37 (hg19) VCF-style: chr2-179395188-T-G.
Other names: c.106154A>C (LRG_391t1); c.101231A>C, p.Lys33744Thr (NM_001256850.1); c.78959A>C, p.Lys26320Thr (NM_003319.4); c.98450A>C, p.Lys32817Thr (NM_133378.4); c.79334A>C, p.Lys26445Thr (NM_133432.3); c.79535A>C, p.Lys26512Thr (NM_133437.4); short protein forms K35385T, K26320T, K33744T, K32817T, K26445T, K26512T.
Identifiers: ClinVar variation 242430 (VCV000242430.12), dbSNP rs768296130, ClinGen allele CA1985156.